The following is an entry in ClinVar:

NM_001113378.2(FANCI):c.1411C>G (p.Pro471Ala)

Gene: FANCI (FA complementation group I; plus strand). Cytogenetic location: 15q26.1.
Variant type: single nucleotide variant.
Coding change: c.1411C>G on transcript NM_001113378.2 (MANE Select); coding-DNA position 1411, C replaced by G.
Protein change: p.Pro471Ala; replaces proline 471 with alanine.
Molecular consequence: missense variant.
Genome position (GRCh38, 1-based): chr15:89,281,199, C>G. VCF-style: chr15-89281199-C-G. GRCh37 (hg19) VCF-style: chr15-89824430-C-G.
Other names: c.1132C>G, p.Pro378Ala (NM_001376910.1); c.1411C>G, p.Pro471Ala (NM_001376911.1, NM_018193.3); short protein forms P378A, P471A.
Identifiers: ClinVar variation 1419007 (VCV001419007.6), dbSNP rs1287849752, ClinGen allele CA393743535.
Genomic context (GRCh38, chr15:89,281,199, plus strand): 5'-GAGACAACTGATTATAGATTCTGTTTTTCAGACCTGCTTTCAAATATCGTCATGTATGCA[C>G]CCTTAGTTCTTCAAAGTTGTTCTTCTAAAGTCACAGAAGCTTTTGACTATTTGTCCTTTC-3'
Protein context (NP_001106849.1, residues 461-481): DLLSNIVMYA[Pro471Ala]LVLQSCSSKV

ClinVar aggregate classification (germline): Uncertain significance (1 of 4 stars; one submission).

Conditions:
Fanconi anemia (FA). Also called: Fanconi's anemia. Identifiers: Orphanet 84, MedGen C0015625, MeSH D005199, MONDO:0019391.

Allele frequency attached by ClinVar (database versions not stated): gnomAD exomes below 0.00001 and 0.00001; TOPMed below 0.00001; gnomAD 0.00001.
gnomAD v4.1: 20 of 1,613,612 alleles (0.0012%); highest among the groups gnomAD compares: Non-Finnish European, 0.0017%; no homozygotes.

Submission:

Labcorp Genetics (formerly Invitae), Labcorp
Classification: Uncertain significance for Fanconi anemia. Last evaluated: 2022-07-01. Review status: criteria provided, single submitter. Criteria: Invitae Variant Classification Sherloc (09022015). Collection method: clinical testing. Allele origin: germline.
Comment: This variant has not been reported in the literature in individuals affected with FANCI-related conditions. ClinVar contains an entry for this variant (Variation ID: 1419007). Algorithms developed to predict the effect of missense changes on protein structure and function are either unavailable or do not agree on the potential impact of this missense change (SIFT: "Tolerated"; PolyPhen-2: "Probably Damaging"; Align-GVGD: "Class C0"). Algorithms developed to predict the effect of sequence changes on RNA splicing suggest that this variant may create or strengthen a splice site. In summary, the available evidence is currently insufficient to determine the role of this variant in disease. Therefore, it has been classified as a Variant of Uncertain Significance. This variant is present in population databases (no rsID available, gnomAD 0.0009%). This sequence change replaces proline, which is neutral and non-polar, with alanine, which is neutral and non-polar, at codon 471 of the FANCI protein (p.Pro471Ala).